The following is an entry in ClinVar:

ClinVar aggregate classification (germline): Uncertain significance (1 of 4 stars; one submission).

Conditions:
Developmental and epileptic encephalopathy, 53. Also called: Epileptic encephalopathy, early infantile, 53. Identifiers: MedGen C4479313, MONDO:0033362, OMIM 617389.
Early-onset Parkinson disease 20. Also called: PARKINSON DISEASE 20, AUTOSOMAL RECESSIVE EARLY-ONSET. Identifiers: Orphanet 391411, MedGen C3809824, MONDO:0014233, OMIM 615530.

Submission:

Labcorp Genetics (formerly Invitae), Labcorp
Classification: Uncertain significance for Developmental and epileptic encephalopathy, 53; Early-onset Parkinson disease 20. Last evaluated: 2017-06-06. Review status: criteria provided, single submitter. Criteria: Invitae Variant Classification Sherloc (09022015). Collection method: clinical testing. Allele origin: germline.
Comment: This sequence change replaces glutamine with arginine at codon 684 of the SYNJ1 protein (p.Gln684Arg). The glutamine residue is moderately conserved and there is a small physicochemical difference between glutamine and arginine . This variant is not present in population databases (ExAC no frequency). This variant has not been reported in the literature in individuals with a SYNJ1-related disease. Algorithms developed to predict the effect of missense changes on protein structure and function (SIFT, PolyPhen-2, Align-GVGD) all suggest that this variant is likely to be tolerated, but these predictions have not been confirmed by published functional studies and their clinical significance is uncertain. In summary, this variant has uncertain impact on SYNJ1 function. The available evidence is currently insufficient to determine its role in disease. Therefore, it has been classified as a Variant of Uncertain Significance.

NM_203446.3(SYNJ1):c.1933_1934delinsAG (p.Gln645Arg)

Gene: SYNJ1 (synaptojanin 1; minus strand). Cytogenetic location: 21q22.11.
Variant type: Indel.
Coding change: c.1933_1934delinsAG on transcript NM_203446.3 (MANE Select); coding-DNA positions 1933 to 1934, CA replaced by AG.
Protein change: p.Gln645Arg; replaces glutamine 645 with arginine.
Molecular consequence: missense variant.
Genome position (GRCh38, 1-based): chr21:32,666,451-32,666,452, TG replaced by CT on the plus strand (CA replaced by AG on the coding strand, the reverse complement: SYNJ1 is on the minus strand). VCF-style: chr21-32666451-TG-CT. GRCh37 (hg19) VCF-style: chr21-34038761-TG-CT.
Other names: c.1933_1934delCAinsAG, p.Gln645Arg (NM_001160302.2); c.1918_1919delinsAG, p.Gln640Arg (NM_001160306.2); c.2050_2051delCAinsAG, p.Gln684Arg (NM_003895.4); c.2050_2051delCAinsAG (NM_003895.3); short protein forms Q645R, Q640R, Q684R.
Identifiers: ClinVar variation 478332 (VCV000478332.7), dbSNP rs1555896707, ClinGen allele CA658658885.